The following is an entry in ClinVar:

NM_004260.4(RECQL4):c.2702A>G (p.Glu901Gly)

Gene: RECQL4 (RecQ like helicase 4; minus strand). Cytogenetic location: 8q24.3.
Variant type: single nucleotide variant.
Coding change: c.2702A>G on transcript NM_004260.4 (MANE Select); coding-DNA position 2702, A replaced by G.
Protein change: p.Glu901Gly; replaces glutamic acid 901 with glycine.
Molecular consequence: missense variant.
Genome position (GRCh38, 1-based): chr8:144,512,900, T>C on the plus strand (A>G on the coding strand, the complement: RECQL4 is on the minus strand). VCF-style: chr8-144512900-T-C. GRCh37 (hg19) VCF-style: chr8-145738283-T-C.
Other names: short protein forms E901G.
Identifiers: ClinVar variation 857487 (VCV000857487.6), dbSNP rs1827523235, ClinGen allele CA372675113.
Genomic context (GRCh38, chr8:144,512,900, plus strand): 5'-TCCTCACCCTCCTCCGGCATGTCCAAAGCCTGTACGGTAAGCTGTATTGGGAGTGCCCGC[T>C]CATGGCCCATGCAGACCCTTCTGGGTCCTGGGGCTGCTTGGTGGCTAAGCTGCTCAGCCT-3'
Protein context (NP_004251.4, residues 891-911): PGPRRVCMGH[Glu901Gly]RALPIQLTVQ

ClinVar aggregate classification (germline): Uncertain significance (1 of 4 stars; one submission).

Conditions:
Baller-Gerold syndrome (BGS). Also called: CRANIOSYNOSTOSIS WITH RADIAL DEFECTS. Identifiers: Orphanet 1225, MedGen C0265308, MONDO:0009039, OMIM 218600.

Allele frequency attached by ClinVar (database versions not stated): gnomAD exomes below 0.00001.
gnomAD v4.1: 1 of 1,590,424 alleles (0.000063%); highest among the groups gnomAD compares: African/African-American, 0.0013%; no homozygotes.

Submission:

Labcorp Genetics (formerly Invitae), Labcorp
Classification: Uncertain significance for Baller-Gerold syndrome. Last evaluated: 2021-11-10. Review status: criteria provided, single submitter. Criteria: Invitae Variant Classification Sherloc (09022015). Collection method: clinical testing. Allele origin: germline.
Comment: This sequence change replaces glutamic acid, which is acidic and polar, with glycine, which is neutral and non-polar, at codon 901 of the RECQL4 protein (p.Glu901Gly). This variant is not present in population databases (gnomAD no frequency). This variant has not been reported in the literature in individuals affected with RECQL4-related conditions. ClinVar contains an entry for this variant (Variation ID: 857487). In summary, the available evidence is currently insufficient to determine the role of this variant in disease. Therefore, it has been classified as a Variant of Uncertain Significance.